The following is an entry in ClinVar:

ClinVar aggregate classification (germline): Uncertain significance (1 of 4 stars; one submission).

Allele frequency attached by ClinVar (database versions not stated): gnomAD exomes 0.00003.
gnomAD v4.1: 44 of 1,613,364 alleles (0.0027%); highest among the groups gnomAD compares: Non-Finnish European, 0.0033%; no homozygotes.

Submission:

Labcorp Genetics (formerly Invitae), Labcorp
Classification: Uncertain significance. Last evaluated: 2023-08-16. Review status: criteria provided, single submitter. Criteria: Invitae Variant Classification Sherloc (09022015). Collection method: clinical testing. Allele origin: germline.
Comment: This sequence change replaces glutamine, which is neutral and polar, with lysine, which is basic and polar, at codon 369 of the GPR45 protein (p.Gln369Lys). This variant is present in population databases (no rsID available, gnomAD 0.0009%). This variant has not been reported in the literature in individuals affected with GPR45-related conditions. An algorithm developed to predict the effect of missense changes on protein structure and function (PolyPhen-2) suggests that this variant is likely to be tolerated. In summary, the available evidence is currently insufficient to determine the role of this variant in disease. Therefore, it has been classified as a Variant of Uncertain Significance.

NM_007227.3(GPR45):c.1105C>A (p.Gln369Lys)

Gene: GPR45 (G protein-coupled receptor 45; plus strand). Cytogenetic location: 2q12.1.
Variant type: single nucleotide variant.
Coding change: c.1105C>A on transcript NM_007227.3 (MANE Select); coding-DNA position 1105, C replaced by A.
Protein change: p.Gln369Lys; replaces glutamine 369 with lysine.
Molecular consequence: missense variant.
Genome position (GRCh38, 1-based): chr2:105,242,963, C>A. VCF-style: chr2-105242963-C-A. GRCh37 (hg19) VCF-style: chr2-105859420-C-A.
Other names: short protein forms Q369K.
Identifiers: ClinVar variation 2977779 (VCV002977779.3), dbSNP rs1376066935, ClinGen allele CA348101920.